The following is an entry in ClinVar:

NM_020975.6(RET):c.646T>C (p.Cys216Arg)

Gene: RET (ret proto-oncogene; plus strand). Cytogenetic location: 10q11.21.
Variant type: single nucleotide variant.
Coding change: c.646T>C on transcript NM_020975.6 (MANE Select); coding-DNA position 646, T replaced by C.
Protein change: p.Cys216Arg; replaces cysteine 216 with arginine.
Molecular consequence: missense variant.
Genome position (GRCh38, 1-based): chr10:43,104,972, T>C. VCF-style: chr10-43104972-T-C. GRCh37 (hg19) VCF-style: chr10-43600420-T-C.
Other names: c.-117T>C (NM_001355216.2); c.646T>C, p.Cys216Arg (NM_001406743.1, NM_001406744.1, NM_001406759.1 and 8 more transcripts); c.517T>C, p.Cys173Arg (NM_001406761.1, NM_001406762.1, NM_001406764.1 and 2 more transcripts); c.358T>C, p.Cys120Arg (NM_001406766.1, NM_001406767.1, NM_001406770.1); short protein forms C216R, C173R, C120R.
Identifiers: ClinVar variation 857825 (VCV000857825.11), dbSNP rs1837728315, ClinGen allele CA376544342.
Genomic context (GRCh38, chr10:43,104,972, plus strand): 5'-GCTGGTGATCACGCGGGGCCCCTGTCTGCTTGGTGCGCAGGTGAGGGTCTGCCCTTCCGC[T>C]GCGCCCCGGACAGCCTGGAGGTGAGCACGCGCTGGGCCCTGGACCGCGAGCAGCGGGAGA-3'
Protein context (NP_066124.1, residues 206-226): LLEGEGLPFR[Cys216Arg]APDSLEVSTR

ClinVar aggregate classification (germline): Uncertain significance. Review status: criteria provided, multiple submitters, no conflicts (2 of 4 stars). 2 submissions from 2 submitters: Uncertain significance (2). Last evaluated 2026-07-07.

Conditions:
Multiple endocrine neoplasia, type 2 (MEN2). Identifiers: Orphanet 653, MedGen C4048306, MONDO:0019003. Disease mechanism: gain of function.
Hereditary cancer-predisposing syndrome. Also called: Tumor predisposition; Hereditary neoplastic syndrome; Neoplastic Syndromes, Hereditary; Hereditary Cancer Syndrome. Identifiers: Orphanet 140162, MedGen C0027672, MeSH D009386, MONDO:0015356.

Submissions (2):

Ambry Genetics
Classification: Uncertain significance for Hereditary cancer-predisposing syndrome. Last evaluated: 2026-07-07. Review status: criteria provided, single submitter. Criteria: Ambry Variant Classification Scheme 2023. Collection method: clinical testing. Allele origin: germline.
Comment: The p.C216R variant (also known as c.646T>C), located in coding exon 4 of the RET gene, results from a T to C substitution at nucleotide position 646. The cysteine at codon 216 is replaced by arginine, an amino acid with highly dissimilar properties. This amino acid position is conserved. In addition, this alteration is predicted to be tolerated by in silico analysis. Based on the available evidence, the clinical significance of this variant remains unclear.

Labcorp Genetics (formerly Invitae), Labcorp
Classification: Uncertain significance for Multiple endocrine neoplasia, type 2. Last evaluated: 2023-01-03. Review status: criteria provided, single submitter. Criteria: Invitae Variant Classification Sherloc (09022015). Collection method: clinical testing. Allele origin: germline.
Comment: This variant has not been reported in the literature in individuals affected with RET-related conditions. In summary, the available evidence is currently insufficient to determine the role of this variant in disease. Therefore, it has been classified as a Variant of Uncertain Significance. Algorithms developed to predict the effect of missense changes on protein structure and function (SIFT, PolyPhen-2, Align-GVGD) all suggest that this variant is likely to be tolerated. ClinVar contains an entry for this variant (Variation ID: 857825). This variant is not present in population databases (gnomAD no frequency). This sequence change replaces cysteine, which is neutral and slightly polar, with arginine, which is basic and polar, at codon 216 of the RET protein (p.Cys216Arg).